The following is an entry in ClinVar:

NM_001330700.2(TOP2B):c.1070A>G (p.Lys357Arg)

Gene: TOP2B (DNA topoisomerase II beta; minus strand). Cytogenetic location: 3p24.2.
Variant type: single nucleotide variant.
Coding change: c.1070A>G on transcript NM_001330700.2 (MANE Select); coding-DNA position 1070, A replaced by G.
Protein change: p.Lys357Arg; replaces lysine 357 with arginine.
Molecular consequence: missense variant.
Genome position (GRCh38, 1-based): chr3:25,632,751, T>C on the plus strand (A>G on the coding strand, the complement: TOP2B is on the minus strand). VCF-style: chr3-25632751-T-C. GRCh37 (hg19) VCF-style: chr3-25674242-T-C.
Other names: c.1055A>G, p.Lys352Arg (NM_001068.3); short protein forms K352R, K357R.
Identifiers: ClinVar variation 2997862 (VCV002997862.3), dbSNP rs2470359318, ClinGen allele CA351910798.
Genomic context (GRCh38, chr3:25,632,751, plus strand): 5'-ACTTGAAATGGTTTCACTGATACACCAGCTTTGTTCTTTTTCTTAACTACTTCAATCAGT[T>C]TACCAACAACTTGATCTACCACATAATCCACGTGCCGTCCACCCTAAAGAAAAAAAAATA-3'
Protein context (NP_001317629.1, residues 347-367): VDYVVDQVVG[Lys357Arg]LIEVVKKKNK

ClinVar aggregate classification (germline): Uncertain significance (1 of 4 stars; one submission).

Submission:

Labcorp Genetics (formerly Invitae), Labcorp
Classification: Uncertain significance. Last evaluated: 2022-12-09. Review status: criteria provided, single submitter. Criteria: Invitae Variant Classification Sherloc (09022015). Collection method: clinical testing. Allele origin: germline.
Comment: In summary, the available evidence is currently insufficient to determine the role of this variant in disease. Therefore, it has been classified as a Variant of Uncertain Significance. Algorithms developed to predict the effect of missense changes on protein structure and function (SIFT, PolyPhen-2, Align-GVGD) all suggest that this variant is likely to be tolerated. This variant has not been reported in the literature in individuals affected with TOP2B-related conditions. This variant is not present in population databases (gnomAD no frequency). This sequence change replaces lysine, which is basic and polar, with arginine, which is basic and polar, at codon 352 of the TOP2B protein (p.Lys352Arg).